The following is an entry in ClinVar:

ClinVar aggregate classification (germline): Likely benign (1 of 4 stars; one submission).

gnomAD v4.1: 45 of 1,602,514 alleles (0.0028%); highest among the groups gnomAD compares: Middle Eastern, 0.033%; no homozygotes.

Submission:

CeGaT Center for Human Genetics Tuebingen
Classification: Likely benign. Last evaluated: 2022-05-01. Review status: criteria provided, single submitter. Criteria: CeGaT Center For Human Genetics Tuebingen Variant Classification Criteria Version 2. Collection method: clinical testing. Allele origin: germline. Affected: yes. Observed: 1 variant allele.
Comment: NFASC: BP4, BP7

NM_001005388.3(NFASC):c.2913C>T (p.Ile971=)

Gene: NFASC (neurofascin; plus strand). Cytogenetic location: 1q32.1.
Variant type: single nucleotide variant.
Coding change: c.2913C>T on transcript NM_001005388.3 (MANE Select); coding-DNA position 2913, C replaced by T.
Protein change: p.Ile971=; no amino-acid change (isoleucine 971 retained).
Molecular consequence: synonymous variant. On other transcripts: intron variant (4).
Genome position (GRCh38, 1-based): chr1:204,997,300, C>T. VCF-style: chr1-204997300-C-T. GRCh37 (hg19) VCF-style: chr1-204966428-C-T.
Other names: c.3234C>T, p.Ile1078= (NM_001378329.1); c.3091+5994C>T (NM_001160332.2); c.3076+8494C>T (NM_015090.4); c.2755+8494C>T (NM_001365986.1); c.3136+5994C>T (NM_001160331.2).
Identifiers: ClinVar variation 2639843 (VCV002639843.24), dbSNP rs2802808, ClinGen allele CA1350561.
Genomic context (GRCh38, chr1:204,997,300, plus strand): 5'-TGCTGCCACCACCGAAGCCACAACAGTCCCCATCATCCCAACTGTCGCACCTACCACCAT[C>T]GCCACCACCACCACCGTCGCCACAACTACTACAACCACTGCTGCCGCCACCACCACCACG-3'
Protein context (NP_001005388.2, residues 961-981): PIIPTVAPTT[Ile971=]ATTTTVATTT